The following is an entry in ClinVar:

NM_001352754.2(ARMC9):c.1307T>C (p.Leu436Pro)

Gene: ARMC9 (armadillo repeat containing 9; plus strand). Cytogenetic location: 2q37.1.
Variant type: single nucleotide variant.
Coding change: c.1307T>C on transcript NM_001352754.2 (MANE Select); coding-DNA position 1307, T replaced by C.
Protein change: p.Leu436Pro; replaces leucine 436 with proline.
Molecular consequence: missense variant. On other transcripts: non-coding transcript variant (1).
Genome position (GRCh38, 1-based): chr2:231,273,051, T>C. VCF-style: chr2-231273051-T-C. GRCh37 (hg19) VCF-style: chr2-232137764-T-C.
Other names: NR_148040.2:n.1416T>C; c.1307T>C, p.Leu436Pro (NM_001271466.4, NM_001291656.2, NM_001352755.2 and 3 more transcripts); c.1208T>C, p.Leu403Pro (NM_001352757.2, NM_001352758.2); short protein forms L403P, L436P.
Identifiers: ClinVar variation 1679837 (VCV001679837.1), dbSNP rs925676705, ClinGen allele CA66820850.

ClinVar aggregate classification (germline): Uncertain significance (1 of 4 stars; one submission).

Conditions:
Joubert syndrome 30. Identifiers: MedGen C4539937, MONDO:0033308, OMIM 617622.

Allele frequency attached by ClinVar (database versions not stated): gnomAD exomes below 0.00001; gnomAD 0.00001; TOPMed 0.00002.
gnomAD v4.1: 4 of 1,613,738 alleles (0.00025%); highest among the groups gnomAD compares: African/African-American, 0.0027%; no homozygotes.

Submission:

Broad Center for Mendelian Genomics, Broad Institute of MIT and Harvard
Classification: Uncertain significance for Joubert syndrome 30. Last evaluated: 2022-05-04. Review status: criteria provided, single submitter. Criteria: ACMG Guidelines, 2015. Collection method: curation. Allele origin: germline. Inheritance: Autosomal recessive inheritance.
Comment: The heterozygous p.Leu436Pro variant in ARMC9 was identified by our study in the compound heterozygous state, along with another variant of unknown significance, in 2 siblings with Joubert syndrome 30. The variant has not been previously reported in individuals with Joubert syndrome 30 and was absent from large population studies. Computational prediction tools and conservation analyses do not provide strong support for or against an impact to the protein. In summary, the clinical significance of the p.Leu436Pro variant is uncertain. ACMG/AMP Criteria applied: PM2 (Richards 2015).